The following is an entry in ClinVar:

ClinVar aggregate classification (germline): Uncertain significance (1 of 4 stars; one submission).

gnomAD v4.1: 2 of 1,614,010 alleles (0.00012%); highest among the groups gnomAD compares: Non-Finnish European, 0.00017%; no homozygotes.

Submission:

Labcorp Genetics (formerly Invitae), Labcorp
Classification: Uncertain significance. Last evaluated: 2022-05-03. Review status: criteria provided, single submitter. Criteria: Invitae Variant Classification Sherloc (09022015). Collection method: clinical testing. Allele origin: germline.
Comment: In summary, the available evidence is currently insufficient to determine the role of this variant in disease. Therefore, it has been classified as a Variant of Uncertain Significance. This sequence change replaces serine, which is neutral and polar, with leucine, which is neutral and non-polar, at codon 137 of the RCBTB1 protein (p.Ser137Leu). This variant is not present in population databases (gnomAD no frequency). This variant has not been reported in the literature in individuals affected with RCBTB1-related conditions. Algorithms developed to predict the effect of missense changes on protein structure and function are either unavailable or do not agree on the potential impact of this missense change (SIFT: "Deleterious"; PolyPhen-2: "Probably Damaging"; Align-GVGD: "Class C0").

NM_018191.4(RCBTB1):c.410C>T (p.Ser137Leu)

Gene: RCBTB1 (RCC1 and BTB domain containing protein 1; minus strand). Cytogenetic location: 13q14.2.
Variant type: single nucleotide variant.
Coding change: c.410C>T on transcript NM_018191.4 (MANE Select); coding-DNA position 410, C replaced by T.
Protein change: p.Ser137Leu; replaces serine 137 with leucine.
Molecular consequence: missense variant. On other transcripts: 5 prime UTR variant (1), non-coding transcript variant (2).
Genome position (GRCh38, 1-based): chr13:49,559,952, G>A on the plus strand (C>T on the coding strand, the complement: RCBTB1 is on the minus strand). VCF-style: chr13-49559952-G-A. GRCh37 (hg19) VCF-style: chr13-50134088-G-A.
Other names: c.410C>T, p.Ser137Leu (NM_001352500.2, NM_001352501.2, NM_001352502.2 and 3 more transcripts); c.-200C>T (NM_001352506.2); short protein forms S137L.
Identifiers: ClinVar variation 2053759 (VCV002053759.4), dbSNP rs1962297308, ClinGen allele CA388192117.